The following is an entry in ClinVar:

ClinVar aggregate classification (germline): Conflicting classifications of pathogenicity. Review status: criteria provided, conflicting classifications (1 of 4 stars). 5 submissions from 5 submitters: Uncertain significance (4); Likely benign (1). Last evaluated 2025-12-16.

Conditions:
Hereditary cancer-predisposing syndrome. Also called: Neoplastic Syndromes, Hereditary; Tumor predisposition; Hereditary Cancer Syndrome; Hereditary neoplastic syndrome. Identifiers: Orphanet 140162, MedGen C0027672, MeSH D009386, MONDO:0015356.
Hereditary breast ovarian cancer syndrome. Also called: Hereditary breast and ovarian cancer; Hereditary breast and/or ovarian cancer syndrome; BRCA1- and BRCA2-Associated Hereditary Breast and Ovarian Cancer; Hereditary breast and ovarian cancer syndrome (HBOC); Hereditary breast and ovarian cancer syndrome; Breast and ovarian cancer. Identifiers: Orphanet 145, MedGen C0677776, MeSH D061325, MONDO:0003582. Disease mechanism: loss of function.

Submissions (5):

Color Diagnostics, LLC DBA Color Health
Classification: Uncertain significance for Hereditary cancer-predisposing syndrome. Last evaluated: 2025-12-16. Review status: criteria provided, single submitter. Criteria: ACMG Guidelines, 2015. Collection method: clinical testing. Allele origin: germline.
Comment: This missense variant replaces serine with leucine at codon 282 of the BRCA1 protein. Computational prediction suggests that this variant may not impact protein structure and function. To our knowledge, functional studies have not been reported for this variant. Multifactorial analysis reached a likelihood ratio (LR) of 1.422 based on the personal and family history for 1 carrier (PMID: 31853058). This variant has not been identified in the general population by the Genome Aggregation Database (gnomAD). The available evidence is insufficient to determine the role of this variant in disease conclusively. Therefore, this variant is classified as a Variant of Uncertain Significance.

Labcorp Genetics (formerly Invitae), Labcorp
Classification: Uncertain significance for Hereditary breast ovarian cancer syndrome. Last evaluated: 2025-07-30. Review status: criteria provided, single submitter. Criteria: Invitae Variant Classification Sherloc (09022015). Collection method: clinical testing. Allele origin: germline.
Comment: This sequence change replaces serine, which is neutral and polar, with leucine, which is neutral and non-polar, at codon 282 of the BRCA1 protein (p.Ser282Leu). This variant is not present in population databases (gnomAD no frequency). This variant has not been reported in the literature in individuals affected with BRCA1-related conditions. ClinVar contains an entry for this variant (Variation ID: 186539). Invitae Evidence Modeling of protein sequence and biophysical properties (such as structural, functional, and spatial information, amino acid conservation, physicochemical variation, residue mobility, and thermodynamic stability) indicates that this missense variant is not expected to disrupt BRCA1 protein function with a negative predictive value of 80%. In summary, the available evidence is currently insufficient to determine the role of this variant in disease. Therefore, it has been classified as a Variant of Uncertain Significance.

Ambry Genetics
Classification: Uncertain significance for Hereditary cancer-predisposing syndrome. Last evaluated: 2024-09-16. Review status: criteria provided, single submitter. Criteria: Ambry Variant Classification Scheme 2023. Collection method: clinical testing. Allele origin: germline.
Comment: The p.S282L variant (also known as c.845C>T), located in coding exon 9 of the BRCA1 gene, results from a C to T substitution at nucleotide position 845. The serine at codon 282 is replaced by leucine, an amino acid with dissimilar properties. This amino acid position is well conserved in available vertebrate species. In addition, the in silico prediction for this alteration is inconclusive. Based on the available evidence, the clinical significance of this variant remains unclear.

Mayo Clinic Laboratories, Mayo Clinic
Classification: Uncertain significance. Last evaluated: 2023-04-26. Review status: criteria provided, single submitter. Criteria: ACMG Guidelines, 2015. Collection method: clinical testing. Allele origin: germline. Observed: 1 variant allele.
Comment: PM2

University of Washington Department of Laboratory Medicine, University of Washington
Classification: Likely benign for Hereditary cancer-predisposing syndrome. Last evaluated: 2023-03-23. Review status: criteria provided, single submitter. Criteria: Dines et al. (Genet Med. 2020). Collection method: curation. Allele origin: germline.
Comment: Missense variant in a coldspot region where missense variants are very unlikely to be pathogenic (PMID:31911673).

BRCA1 coldspot (exon 11 using historical exon numbering). Reclassification based on statistical prior probability

Literature cited by the submitters: PubMed 31853058 (cited by Color Diagnostics, LLC DBA Color Health).

NM_007294.4(BRCA1):c.845C>T (p.Ser282Leu)

Gene: BRCA1 (BRCA1 DNA repair associated; minus strand). Cytogenetic location: 17q21.31.
Variant type: single nucleotide variant.
Coding change: c.845C>T on transcript NM_007294.4 (MANE Select); coding-DNA position 845, C replaced by T.
Protein change: p.Ser282Leu; replaces serine 282 with leucine.
Molecular consequence: missense variant. On other transcripts: 5 prime UTR variant (2), intron variant (137).
Genome position (GRCh38, 1-based): chr17:43,094,686, G>A on the plus strand (C>T on the coding strand, the complement: BRCA1 is on the minus strand). VCF-style: chr17-43094686-G-A. GRCh37 (hg19) VCF-style: chr17-41246703-G-A.
Other names: p.Ser282Leu; c.632C>T, p.Ser211Leu (NM_001407571.1, NM_001407853.1, NM_001407894.1 and 9 more transcripts); c.845C>T, p.Ser282Leu (NM_001407581.1, NM_001407582.1, NM_001407583.1 and 30 more transcripts); c.842C>T, p.Ser281Leu (NM_001407587.1, NM_001407590.1, NM_001407591.1 and 22 more transcripts); c.704C>T, p.Ser235Leu (NM_001407695.1, NM_001407696.1, NM_001407697.1 and 29 more transcripts); c.701C>T, p.Ser234Leu (NM_001407740.1, NM_001407741.1, NM_001407742.1 and 20 more transcripts); c.836C>T, p.Ser279Leu (NM_001407646.1, NM_001407647.1); c.722C>T, p.Ser241Leu (NM_001407648.1, NM_001407863.1, NM_001407664.1 and 19 more transcripts); and 41 more; short protein forms S282L, S235L, S154L, S193L, S211L, S212L, S214L, S215L.
Identifiers: ClinVar variation 186539 (VCV000186539.21), dbSNP rs786203027, ClinGen allele CA003936.